The following is an entry in ClinVar:

ClinVar aggregate classification (germline): Uncertain significance. Review status: criteria provided, multiple submitters, no conflicts (2 of 4 stars). 3 submissions from 3 submitters: Uncertain significance (3). Last evaluated 2026-06-08.

Conditions:
Nephronophthisis 4 (NPHP4). Also called: NEPHRONOPHTHISIS 4, JUVENILE. Identifiers: Orphanet 655, MedGen C1847013, MONDO:0011752, OMIM 606966.
Senior-Loken syndrome 4 (SLSN4). Identifiers: Orphanet 3156, MedGen C1846979, MONDO:0011756, OMIM 606996.
NPHP4-related disorder. Also called: NPHP4-related disorders; NPHP4-related condition. Identifiers: MedGen CN239384.
Nephronophthisis. Also called: Juvenile Nephronophthisis. Identifiers: Orphanet 655, MedGen C0687120, MONDO:0019005, HP:0000090.

Allele frequency attached by ClinVar (database versions not stated): TOPMed below 0.00001; gnomAD 0.00001; gnomAD exomes 0.00001.
gnomAD v4.1: 9 of 1,540,296 alleles (0.00058%); highest among the groups gnomAD compares: Admixed American, 0.0079%; no homozygotes.

Submissions (3):

PreventionGenetics, part of Exact Sciences
Classification: Uncertain significance for NPHP4-related condition. Last evaluated: 2026-06-08. Review status: criteria provided, single submitter. Criteria: ACMG Guidelines, 2015. Collection method: clinical testing. Allele origin: germline.
Comment: The NPHP4 c.452+3A>G variant is predicted to interfere with splicing. This variant is predicted to impact splicing based on a splicing prediction program (SpliceAI, Jaganathan K, et al. 2019. PubMed ID: 30661751). To our knowledge, this variant has not been reported in the literature. This variant is reported in 0.0017% of alleles in individuals of European (Non-Finnish) descent in gnomAD. At this time, the clinical significance of this variant is uncertain due to the absence of conclusive functional and genetic evidence.

Labcorp Genetics (formerly Invitae), Labcorp
Classification: Uncertain significance for Nephronophthisis. Last evaluated: 2024-02-23. Review status: criteria provided, single submitter. Criteria: Invitae Variant Classification Sherloc (09022015). Collection method: clinical testing. Allele origin: germline.
Comment: This sequence change falls in intron 4 of the NPHP4 gene. It does not directly change the encoded amino acid sequence of the NPHP4 protein. It affects a nucleotide within the consensus splice site. This variant is present in population databases (no rsID available, gnomAD 0.002%). This variant has not been reported in the literature in individuals affected with NPHP4-related conditions. ClinVar contains an entry for this variant (Variation ID: 1439090). Variants that disrupt the consensus splice site are a relatively common cause of aberrant splicing (PMID: 17576681, 9536098). Algorithms developed to predict the effect of sequence changes on RNA splicing suggest that this variant is not likely to affect RNA splicing. In summary, the available evidence is currently insufficient to determine the role of this variant in disease. Therefore, it has been classified as a Variant of Uncertain Significance.

Fulgent Genetics
Classification: Uncertain significance for Nephronophthisis 4; Senior-Loken syndrome 4. Last evaluated: 2022-03-29. Review status: criteria provided, single submitter. Criteria: ACMG Guidelines, 2015. Collection method: clinical testing. Allele origin: unknown.

Literature cited by the submitters: PubMed 17576681 (cited by Labcorp Genetics (formerly Invitae), Labcorp); PubMed 9536098 (cited by Labcorp Genetics (formerly Invitae), Labcorp).

NM_015102.5(NPHP4):c.452+3A>G

Gene: NPHP4 (nephrocystin 4; minus strand). Cytogenetic location: 1p36.31.
Variant type: single nucleotide variant.
Coding change: c.452+3A>G on transcript NM_015102.5 (MANE Select); 3 bases into the intron after coding-DNA position 452, A replaced by G.
Molecular consequence: intron variant.
Genome position (GRCh38, 1-based): chr1:5,969,084, T>C on the plus strand (A>G on the coding strand, the complement: NPHP4 is on the minus strand). VCF-style: chr1-5969084-T-C. GRCh37 (hg19) VCF-style: chr1-6029144-T-C.
Other names: c.-915+3A>G (NM_001291594.2); c.-778+3A>G (NM_001291593.2); c.452+3A>G (NM_015102.4).
Identifiers: ClinVar variation 1439090 (VCV001439090.7), dbSNP rs1426440104, ClinGen allele CA521017256.